The following is an entry in ClinVar:

ClinVar aggregate classification (germline): Uncertain significance. Review status: criteria provided, multiple submitters, no conflicts (2 of 4 stars). 2 submissions from 2 submitters: Uncertain significance (2). Last evaluated 2025-09-11.

Conditions:
Inborn genetic diseases. Identifiers: MedGen C0950123, MeSH D030342.

Allele frequency attached by ClinVar (database versions not stated): gnomAD exomes below 0.00001; TOPMed below 0.00001.
gnomAD v4.1: 2 of 1,599,272 alleles (0.00013%); highest among the groups gnomAD compares: East Asian, 0.0045%; no homozygotes.

Submissions (2):

Ambry Genetics
Classification: Uncertain significance for Inborn genetic diseases. Last evaluated: 2025-09-11. Review status: criteria provided, single submitter. Criteria: Ambry Variant Classification Scheme 2023. Collection method: clinical testing. Allele origin: germline.

Labcorp Genetics (formerly Invitae), Labcorp
Classification: Uncertain significance. Last evaluated: 2022-10-25. Review status: criteria provided, single submitter. Criteria: Invitae Variant Classification Sherloc (09022015). Collection method: clinical testing. Allele origin: germline.
Comment: In summary, the available evidence is currently insufficient to determine the role of this variant in disease. Therefore, it has been classified as a Variant of Uncertain Significance. Algorithms developed to predict the effect of missense changes on protein structure and function (SIFT, PolyPhen-2, Align-GVGD) all suggest that this variant is likely to be tolerated. This variant has not been reported in the literature in individuals affected with DMXL2-related conditions. This variant is present in population databases (no rsID available, gnomAD 0.006%). This sequence change replaces leucine, which is neutral and non-polar, with valine, which is neutral and non-polar, at codon 2532 of the DMXL2 protein (p.Leu2532Val).

NM_001378457.1(DMXL2):c.7594C>G (p.Leu2532Val)

Gene: DMXL2 (Dmx like 2; minus strand). Cytogenetic location: 15q21.2.
Variant type: single nucleotide variant.
Coding change: c.7594C>G on transcript NM_001378457.1 (MANE Select); coding-DNA position 7594, C replaced by G.
Protein change: p.Leu2532Val; replaces leucine 2532 with valine.
Molecular consequence: missense variant. On other transcripts: non-coding transcript variant (2), intron variant (1).
Genome position (GRCh38, 1-based): chr15:51,465,578, G>C on the plus strand (C>G on the coding strand, the complement: DMXL2 is on the minus strand). VCF-style: chr15-51465578-G-C. GRCh37 (hg19) VCF-style: chr15-51757775-G-C.
Other names: c.7594C>G (NM_001174116.1); c.7594C>G, p.Leu2532Val (NM_001174116.3, NM_001378461.1, NM_001378463.1); c.5683C>G, p.Leu1895Val (NM_001174117.3); c.7591C>G, p.Leu2531Val (NM_001378458.1, NM_001378462.1, NM_015263.5); c.5572C>G, p.Leu1858Val (NM_001378460.1); c.7351C>G, p.Leu2451Val (NM_001378464.1); c.7520+606C>G (NM_001378459.1); short protein forms L2451V, L1858V, L1895V, L2532V, L2531V.
Identifiers: ClinVar variation 1928776 (VCV001928776.4), dbSNP rs1432466667, ClinGen allele CA392439482.